The following is an entry in ClinVar:

ClinVar aggregate classification (germline): Pathogenic (1 of 4 stars; one submission).

Conditions:
Gastrointestinal stromal tumor. Also called: Gastrointestinal stroma tumor; Gastrointestinal stromal tumor, somatic. Identifiers: Orphanet 44890, MedGen C0238198, MeSH D046152, MONDO:0011719, OMIM 606764, HP:0100723.
Pheochromocytoma/paraganglioma syndrome 4. Also called: CAROTID BODY TUMORS AND MULTIPLE EXTRAADRENAL PHEOCHROMOCYTOMAS; PARAGANGLIOMA, FAMILIAL MALIGNANT; PARAGANGLIOMAS, HEREDITARY EXTRAADRENAL; PHEOCHROMOCYTOMA, FAMILIAL EXTRAADRENAL; Paragangliomas 4; SDHB-Related Hereditary Paraganglioma-Pheochromocytoma Syndrome (Paragangliomas 4). Identifiers: Orphanet 29072, MedGen C1861848, MONDO:0007273, OMIM 115310.
Pheochromocytoma. Also called: MAX-Related Hereditary Paraganglioma-Pheochromocytoma Syndrome. Identifiers: Orphanet 29072, MedGen C0031511, MONDO:0008233, OMIM 171300, HP:0002666.

Submission:

Labcorp Genetics (formerly Invitae), Labcorp
Classification: Pathogenic for Gastrointestinal stromal tumor; Pheochromocytoma/paraganglioma syndrome 4; Pheochromocytoma. Last evaluated: 2020-12-13. Review status: criteria provided, single submitter. Criteria: Invitae Variant Classification Sherloc (09022015). Collection method: clinical testing. Allele origin: germline.
Comment: For these reasons, this variant has been classified as Pathogenic. This variant disrupts the p.Asp138 amino acid residue in SDHB. Other variant(s) that disrupt this residue have been determined to be pathogenic (PMID: 22517554, 31666924, 31492822). This suggests that this residue is clinically significant, and that variants that disrupt this residue are likely to be disease-causing. Algorithms developed to predict the effect of missense changes on protein structure and function (SIFT, PolyPhen-2, Align-GVGD) all suggest that this variant is likely to be disruptive, but these predictions have not been confirmed by published functional studies and their clinical significance is uncertain. This variant has been observed in individual(s) with paraganglioma (Inviate). In at least one individual the variant was observed to be de novo. ClinVar contains an entry for this variant (Variation ID: 659740). This variant is not present in population databases (ExAC no frequency). This sequence change replaces aspartic acid with glycine at codon 138 of the SDHB protein (p.Asp138Gly). The aspartic acid residue is highly conserved and there is a moderate physicochemical difference between aspartic acid and glycine.

Literature cited by the submitters: PubMed 22517554; PubMed 31666924; PubMed 31492822.

NM_003000.3(SDHB):c.413A>G (p.Asp138Gly)

Gene: SDHB (succinate dehydrogenase complex iron sulfur subunit B; minus strand). Cytogenetic location: 1p36.13.
Variant type: single nucleotide variant.
Coding change: c.413A>G on transcript NM_003000.3 (MANE Select); coding-DNA position 413, A replaced by G.
Protein change: p.Asp138Gly; replaces aspartic acid 138 with glycine.
Molecular consequence: missense variant.
Genome position (GRCh38, 1-based): chr1:17,028,610, T>C on the plus strand (A>G on the coding strand, the complement: SDHB is on the minus strand). VCF-style: chr1-17028610-T-C. GRCh37 (hg19) VCF-style: chr1-17355105-T-C.
Other names: short protein forms D138G.
Identifiers: ClinVar variation 659740 (VCV000659740.6), dbSNP rs1570948527, ClinGen allele CA338273943.